The following is an entry in ClinVar:

ClinVar aggregate classification (germline): Uncertain significance (1 of 4 stars; one submission).

Conditions:
Fibrous dysplasia of jaw (CRBM). Also called: Cherubism. Identifiers: Orphanet 184, MedGen C0008029, MONDO:0007315, OMIM 118400.

Submission:

Labcorp Genetics (formerly Invitae), Labcorp
Classification: Uncertain significance for Fibrous dysplasia of jaw. Last evaluated: 2023-12-18. Review status: criteria provided, single submitter. Criteria: Invitae Variant Classification Sherloc (09022015). Collection method: clinical testing. Allele origin: germline.
Comment: This variant results in a copy number gain of the genomic region encompassing exon(s) 2 of the SH3BP2 gene. This region includes the initiator codon of the gene. This copy number gain extends beyond the assayed region for this gene and therefore may encompass additional genes. As the precise location of this event is unknown, it may be in tandem or it may be located elsewhere in the genome. This variant has not been reported in the literature in individuals affected with SH3BP2-related conditions. In summary, the available evidence is currently insufficient to determine the role of this variant in disease. Therefore, it has been classified as a Variant of Uncertain Significance.

NC_000004.11:g.(?_2822345)_(2822500_?)dup

Gene: SH3BP2 (SH3 domain binding protein 2; plus strand). Cytogenetic location: 4p16.3.
Variant type: Duplication.
Identifiers: ClinVar variation 1400131 (VCV001400131.5).